The following is an entry in ClinVar:

NM_004360.5(CDH1):c.2531G>T (p.Ser844Ile)

Gene: CDH1 (cadherin 1; plus strand). Cytogenetic location: 16q22.1.
Variant type: single nucleotide variant.
Coding change: c.2531G>T on transcript NM_004360.5 (MANE Select); coding-DNA position 2531, G replaced by T.
Protein change: p.Ser844Ile; replaces serine 844 with isoleucine.
Molecular consequence: missense variant.
Genome position (GRCh38, 1-based): chr16:68,833,381, G>T. VCF-style: chr16-68833381-G-T. GRCh37 (hg19) VCF-style: chr16-68867284-G-T.
Other names: c.983G>T, p.Ser328Ile (NM_001317185.2); c.2348G>T, p.Ser783Ile (NM_001317184.2); c.566G>T, p.Ser189Ile (NM_001317186.2); c.2531G>T (LRG_301t1, NM_004360.4); short protein forms S844I, S328I, S783I, S189I.
Identifiers: ClinVar variation 481008 (VCV000481008.16), dbSNP rs1247754103, ClinGen allele CA396472327.

ClinVar aggregate classification (germline): Uncertain significance. Review status: criteria provided, multiple submitters, no conflicts (2 of 4 stars). 4 submissions from 4 submitters: Uncertain significance (4). Last evaluated 2025-09-18.

Conditions:
Hereditary cancer-predisposing syndrome. Also called: Hereditary neoplastic syndrome; Neoplastic Syndromes, Hereditary; Tumor predisposition; Hereditary Cancer Syndrome. Identifiers: Orphanet 140162, MedGen C0027672, MeSH D009386, MONDO:0015356.
Hereditary diffuse gastric adenocarcinoma (HDGC). Also called: DIFFUSE GASTRIC AND LOBULAR BREAST CANCER SYNDROME. Identifiers: Orphanet 26106, MedGen C1708349, MONDO:0007648, OMIM 137215.

Allele frequency attached by ClinVar (database versions not stated): gnomAD exomes below 0.00001.
gnomAD v4.1: 1 of 1,614,206 alleles (0.000062%); highest among the groups gnomAD compares: Non-Finnish European, 0.000085%; no homozygotes.

Submissions (4):

Quest Diagnostics Nichols Institute San Juan Capistrano
Classification: Uncertain significance. Last evaluated: 2025-09-18. Review status: criteria provided, single submitter. Criteria: Quest Diagnostics criteria. Collection method: clinical testing. Allele origin: unknown.
Comment: The CDH1 c.2531G>T (p.Ser844Ile) variant has not been reported in individuals with CDH1-related conditions in the published literature. The frequency of this variant in the general population (Genome Aggregation Database) is uninformative in the assessment of its pathogenicity. Analysis of this variant using bioinformatics tools for the prediction of the effect of amino acid changes on protein structure and function yielded conflicting predictions that this variant is benign or damaging. Based on the available information, we are unable to determine the clinical significance of this variant.

Labcorp Genetics (formerly Invitae), Labcorp
Classification: Uncertain significance for Hereditary diffuse gastric adenocarcinoma. Last evaluated: 2025-06-23. Review status: criteria provided, single submitter. Criteria: Invitae Variant Classification Sherloc (09022015). Collection method: clinical testing. Allele origin: germline.
Comment: This sequence change replaces serine, which is neutral and polar, with isoleucine, which is neutral and non-polar, at codon 844 of the CDH1 protein (p.Ser844Ile). This variant is present in population databases (no rsID available, gnomAD 0.0009%). This variant has not been reported in the literature in individuals affected with CDH1-related conditions. ClinVar contains an entry for this variant (Variation ID: 481008). An algorithm developed to predict the effect of missense changes on protein structure and function (PolyPhen-2) suggests that this variant is likely to be disruptive. In summary, the available evidence is currently insufficient to determine the role of this variant in disease. Therefore, it has been classified as a Variant of Uncertain Significance.

Ambry Genetics
Classification: Uncertain significance for Hereditary cancer-predisposing syndrome. Last evaluated: 2024-10-11. Review status: criteria provided, single submitter. Criteria: Ambry Variant Classification Scheme 2023. Collection method: clinical testing. Allele origin: germline.
Comment: The p.S844I variant (also known as c.2531G>T), located in coding exon 16 of the CDH1 gene, results from a G to T substitution at nucleotide position 2531. The serine at codon 844 is replaced by isoleucine, an amino acid with dissimilar properties. This amino acid position is well conserved in available vertebrate species. In addition, the in silico prediction for this alteration is inconclusive. Since supporting evidence is limited at this time, the clinical significance of this alteration remains unclear.

Women's Health and Genetics/Laboratory Corporation of America, LabCorp
Classification: Uncertain significance. Last evaluated: 2018-03-05. Review status: criteria provided, single submitter. Criteria: LabCorp Variant Classification Summary - May 2015. Collection method: clinical testing. Allele origin: germline.
Comment: Variant summary: CDH1 c.2531G>T (p.Ser844Ile) results in a non-conservative amino acid change located in the Cadherin, cytoplasmic domain of the encoded protein sequence. Four of five in-silico tools predict a damaging effect of the variant on protein function. However, these predictions have yet to be functionally assessed. The variant of interest, c.2531G>T, had an observed allele frequency of 4.1e-06 in 246264 control chromosomes (gnomAD). The available data on variant occurrences in the general population are insufficient to allow any conclusion about variant significance. To our knowledge, no occurrence of c.2531G>T in individuals affected with Hereditary Diffuse Gastric Cancer and no experimental evidence demonstrating its impact on protein function have been reported. A ClinVar submission from a clinical diagnostic laboratory (evaluation after 2014) cites the variant as "uncertain significance." Based on the evidence outlined above, the variant was classified as uncertain significance.